The following is an entry in ClinVar:

ClinVar aggregate classification (germline): Pathogenic (1 of 4 stars; one submission).

Conditions:
Congenital myotonia, autosomal dominant form (THD). Also called: THOMSEN DISEASE; Myotonia congenita autosomal dominant. Identifiers: Orphanet 614, MedGen C2936781, MONDO:0008055, OMIM 160800.
Congenital myotonia, autosomal recessive form. Also called: BECKER DISEASE; Becker Generalized Myotonia; myotonia congenita, autosomal recessive. Identifiers: Orphanet 614, MedGen C0751360, MONDO:0009715, OMIM 255700.

Allele frequency attached by ClinVar (database versions not stated): gnomAD exomes below 0.00001.

Submission:

Labcorp Genetics (formerly Invitae), Labcorp
Classification: Pathogenic for Congenital myotonia, autosomal recessive form; Congenital myotonia, autosomal dominant form. Last evaluated: 2024-02-29. Review status: criteria provided, single submitter. Criteria: Invitae Variant Classification Sherloc (09022015). Collection method: clinical testing. Allele origin: germline.
Comment: This sequence change creates a premature translational stop signal (p.Glu717Lysfs*77) in the CLCN1 gene. It is expected to result in an absent or disrupted protein product. Loss-of-function variants in CLCN1 are known to be pathogenic (PMID: 17932099, 22094069, 23739125). This variant is present in population databases (no rsID available, gnomAD 0.001%). This premature translational stop signal has been observed in individual(s) with autosomal recessive myotonia congenita (PMID: 17654559). This variant is also known as 2149 del G. For these reasons, this variant has been classified as Pathogenic.

Literature cited by the submitters: PubMed 17932099; PubMed 22094069; PubMed 23739125; PubMed 17654559.

NM_000083.3(CLCN1):c.2149del (p.Glu717fs)

Gene: CLCN1 (chloride voltage-gated channel 1; plus strand). Cytogenetic location: 7q34.
Variant type: Deletion.
Coding change: c.2149del on transcript NM_000083.3 (MANE Select); coding-DNA position 2149, one base deleted (G; older notation c.2149delG).
Protein change: p.Glu717fs; shifts the reading frame from glutamic acid 717.
Molecular consequence: frameshift variant. On other transcripts: non-coding transcript variant (1).
Genome position (GRCh38, 1-based): chr7:143,345,739, G deleted. VCF-style (leftmost placement, unchanged base first): chr7-143345738-CG-C. GRCh37 (hg19) VCF-style: chr7-143042831-CG-C.
Other names: short protein forms E717fs.
Identifiers: ClinVar variation 2933341 (VCV002933341.3), dbSNP rs1563087306, ClinGen allele CA578626893.